The following is an entry in ClinVar:

ClinVar aggregate classification (germline): Uncertain significance. Review status: criteria provided, multiple submitters, no conflicts (2 of 4 stars). 4 submissions from 4 submitters: Uncertain significance (4). Last evaluated 2024-12-19.

Conditions:
Classic or attenuated familial adenomatous polyposis. Identifiers: MedGen CN372698, MONDO:0021057.
Hereditary cancer-predisposing syndrome. Also called: Neoplastic Syndromes, Hereditary; Tumor predisposition; Hereditary Cancer Syndrome; Hereditary neoplastic syndrome. Identifiers: Orphanet 140162, MedGen C0027672, MeSH D009386, MONDO:0015356.
Familial adenomatous polyposis 1 (FAP1). Also called: FAMILIAL ADENOMATOUS POLYPOSIS 1, ATTENUATED; POLYPOSIS, ADENOMATOUS INTESTINAL. Identifiers: MedGen C2713442, MONDO:0021056, OMIM 175100. Disease mechanism: loss of function.

Submissions (4):

Ambry Genetics
Classification: Uncertain significance for Hereditary cancer-predisposing syndrome. Last evaluated: 2024-12-19. Review status: criteria provided, single submitter. Criteria: Ambry Variant Classification Scheme 2023. Collection method: clinical testing. Allele origin: germline.
Comment: The p.E988A variant (also known as c.2963A>C), located in coding exon 15 of the APC gene, results from an A to C substitution at nucleotide position 2963. The glutamic acid at codon 988 is replaced by alanine, an amino acid with dissimilar properties. Missense alterations in APC are not a common cause of disease (Spier I et al. Genet Med. 2024 Feb;26(2):100992). This amino acid position is well conserved in available vertebrate species. In addition, in silico predictors for this gene do not accurately predict pathogenicity. Based on the available evidence, the clinical significance of this variant remains unclear.

Labcorp Genetics (formerly Invitae), Labcorp
Classification: Uncertain significance for Familial adenomatous polyposis 1. Last evaluated: 2024-06-11. Review status: criteria provided, single submitter. Criteria: Invitae Variant Classification Sherloc (09022015). Collection method: clinical testing. Allele origin: germline.
Comment: This sequence change replaces glutamic acid, which is acidic and polar, with alanine, which is neutral and non-polar, at codon 988 of the APC protein (p.Glu988Ala). This variant is not present in population databases (gnomAD no frequency). This variant has not been reported in the literature in individuals affected with APC-related conditions. ClinVar contains an entry for this variant (Variation ID: 482351). Advanced modeling of protein sequence and biophysical properties (such as structural, functional, and spatial information, amino acid conservation, physicochemical variation, residue mobility, and thermodynamic stability) performed at Invitae indicates that this missense variant is not expected to disrupt APC protein function with a negative predictive value of 95%. RNA analysis performed to evaluate the impact of this missense change on mRNA splicing indicates it does not significantly alter splicing (Invitae). In summary, the available evidence is currently insufficient to determine the role of this variant in disease. Therefore, it has been classified as a Variant of Uncertain Significance.

Color Diagnostics, LLC DBA Color Health
Classification: Uncertain significance for Hereditary cancer-predisposing syndrome. Last evaluated: 2024-03-06. Review status: criteria provided, single submitter. Criteria: ACMG Guidelines, 2015. Collection method: clinical testing. Allele origin: germline.
Comment: This missense variant replaces glutamic acid with alanine at codon 988 of the APC protein. Computational prediction suggests that this variant may not impact protein structure and function (internally defined REVEL score threshold <= 0.5, PMID: 27666373). Splice site prediction tools suggest that this variant may strengthen a cryptic acceptor site and impact RNA splicing. To our knowledge, functional studies have not been reported for this variant. This variant has not been reported in individuals affected with APC-related disorders in the literature. This variant has not been identified in the general population by the Genome Aggregation Database (gnomAD). The available evidence is insufficient to determine the role of this variant in disease conclusively. Therefore, this variant is classified as a Variant of Uncertain Significance.

All of Us Research Program, National Institutes of Health
Classification: Uncertain significance for Classic or attenuated familial adenomatous polyposis. Last evaluated: 2023-08-28. Review status: criteria provided, single submitter. Criteria: ACMG Guidelines, 2015. Collection method: clinical testing. Allele origin: germline. Inheritance: Autosomal dominant inheritance. Observed: 1 variant allele, 1 heterozygote.
Comment: This missense variant replaces glutamic acid with alanine at codon 988 of the APC protein. Computational prediction suggests that this variant may not impact protein structure and function (internally defined REVEL score threshold <= 0.5, PMID: 27666373). Splice site prediction tools suggest that this variant may strengthen a cryptic acceptor site and impact RNA splicing. To our knowledge, functional studies have not been reported for this variant. This variant has not been reported in individuals affected with APC-related disorders in the literature. This variant has not been identified in the general population by the Genome Aggregation Database (gnomAD). The available evidence is insufficient to determine the role of this variant in disease conclusively. Therefore, this variant is classified as a Variant of Uncertain Significance.

This study involves interpretation of variants in research participants for the purpose of population health screening. Participant phenotype was not available at the time of variant classification. Additional details can be found in publication PMID: 35346344, PMCID: PMC8962531

NM_000038.6(APC):c.2963A>C (p.Glu988Ala)

Gene: APC (APC regulator of Wnt signaling pathway; plus strand). Cytogenetic location: 5q22.2.
Variant type: single nucleotide variant.
Coding change: c.2963A>C on transcript NM_000038.6 (MANE Select); coding-DNA position 2963, A replaced by C.
Protein change: p.Glu988Ala; replaces glutamic acid 988 with alanine.
Molecular consequence: missense variant.
Genome position (GRCh38, 1-based): chr5:112,838,557, A>C. VCF-style: chr5-112838557-A-C. GRCh37 (hg19) VCF-style: chr5-112174254-A-C.
Other names: c.2963A>C, p.Glu988Ala (NM_001127510.3, NM_001354895.2); c.2909A>C, p.Glu970Ala (NM_001127511.3); c.3017A>C, p.Glu1006Ala (NM_001354896.2); c.2993A>C, p.Glu998Ala (NM_001354897.2); c.2888A>C, p.Glu963Ala (NM_001354898.2); c.2879A>C, p.Glu960Ala (NM_001354899.2); c.2840A>C, p.Glu947Ala (NM_001354900.2); c.2786A>C, p.Glu929Ala (NM_001354901.2); and 5 more; short protein forms E988A, E970A, E862A, E998A, E1006A, E947A, E960A, E963A.
Identifiers: ClinVar variation 482351 (VCV000482351.21), dbSNP rs1554084609, ClinGen allele CA16027804.